The following is an entry in ClinVar:

ClinVar aggregate classification (germline): Benign/Likely benign. Review status: criteria provided, multiple submitters, no conflicts (2 of 4 stars). 2 submissions from 2 submitters: Benign (1); Likely benign (1). Last evaluated 2025-03-28.

Conditions:
Lynch syndrome 5 (LYNCH5). Also called: Colorectal cancer, hereditary nonpolyposis, type 5; Hereditary non-polyposis colorectal cancer, type 5. Identifiers: Orphanet 144, MedGen C1833477, MONDO:0013710, OMIM 614350. Disease mechanism: loss of function.
Hereditary cancer-predisposing syndrome. Also called: Hereditary Cancer Syndrome; Hereditary neoplastic syndrome; Neoplastic Syndromes, Hereditary; Tumor predisposition. Identifiers: Orphanet 140162, MedGen C0027672, MeSH D009386, MONDO:0015356.

Submissions (2):

Ambry Genetics
Classification: Likely benign for Hereditary cancer-predisposing syndrome. Last evaluated: 2025-03-28. Review status: criteria provided, single submitter. Criteria: Ambry Variant Classification Scheme 2023. Collection method: clinical testing. Allele origin: germline.

Myriad Genetics, Inc.
Classification: Benign for Lynch syndrome 5. Last evaluated: 2024-12-31. Review status: criteria provided, single submitter. Criteria: Myriad Autosomal Dominant, Autosomal Recessive and X-Linked Classification Criteria (2023). Collection method: clinical testing. Allele origin: unknown.
Comment: This variant is considered benign. This variant is a silent/synonymous amino acid change and it is not expected to impact splicing.

NM_000179.3(MSH6):c.2448A>G (p.Pro816=)

Gene: MSH6 (mutS homolog 6; plus strand). Cytogenetic location: 2p16.3.
Variant type: single nucleotide variant.
Coding change: c.2448A>G on transcript NM_000179.3 (MANE Select); coding-DNA position 2448, A replaced by G.
Protein change: p.Pro816=; no amino-acid change (proline 816 retained).
Molecular consequence: synonymous variant. On other transcripts: non-coding transcript variant (5), intron variant (3).
Genome position (GRCh38, 1-based): chr2:47,800,431, A>G. VCF-style: chr2-47800431-A-G. GRCh37 (hg19) VCF-style: chr2-48027570-A-G.
Other names: c.2151A>G, p.Pro717= (NM_001406830.1, NM_001406797.1, NM_001406801.1 and 10 more transcripts); c.2308+140A>G (NM_001406803.1); c.1606+842A>G (NM_001406817.1); c.628-235A>G (NM_001407362.1); c.2058A>G, p.Pro686= (NM_001281492.2); c.1542A>G, p.Pro514= (NM_001281493.2, NM_001281494.2, NM_001406811.1 and 6 more transcripts); c.2544A>G, p.Pro848= (NM_001406795.1, NM_001406802.1); c.2448A>G, p.Pro816= (NM_001406796.1, NM_001406798.1, NM_001406800.1 and 2 more transcripts); and 4 more.
Identifiers: ClinVar variation 3903563 (VCV003903563.2).